The following is an entry in ClinVar:

ClinVar aggregate classification (germline): Uncertain significance (1 of 4 stars; one submission).

Conditions:
Inborn genetic diseases. Identifiers: MedGen C0950123, MeSH D030342.

Submission:

Ambry Genetics
Classification: Uncertain significance for Inborn genetic diseases. Last evaluated: 2022-12-01. Review status: criteria provided, single submitter. Criteria: Ambry Variant Classification Scheme 2023. Collection method: clinical testing. Allele origin: germline.
Comment: The p.H129Y variant (also known as c.385C>T), located in coding exon 4 of the EPAS1 gene, results from a C to T substitution at nucleotide position 385. The histidine at codon 129 is replaced by tyrosine, an amino acid with similar properties. This amino acid position is conserved. In addition, the in silico prediction for this alteration is inconclusive. Since supporting evidence is limited at this time, the clinical significance of this alteration remains unclear.

NM_001430.5(EPAS1):c.385C>T (p.His129Tyr)

Gene: EPAS1 (endothelial PAS domain protein 1; plus strand). Cytogenetic location: 2p21.
Variant type: single nucleotide variant.
Coding change: c.385C>T on transcript NM_001430.5 (MANE Select); coding-DNA position 385, C replaced by T.
Protein change: p.His129Tyr; replaces histidine 129 with tyrosine.
Molecular consequence: missense variant.
Genome position (GRCh38, 1-based): chr2:46,356,739, C>T. VCF-style: chr2-46356739-C-T. GRCh37 (hg19) VCF-style: chr2-46583878-C-T.
Other names: short protein forms H129Y.
Identifiers: ClinVar variation 2450296 (VCV002450296.2), dbSNP rs2546451099, ClinGen allele CA346698078.
Genomic context (GRCh38, chr2:46,356,739, plus strand): 5'-CTTCACTGTTAGGAATAATGATGCCTAACCTTGTTTTTGAAACAGGTGGAGCTAACAGGA[C>T]ATAGTATCTTTGACTTCACTCATCCCTGCGACCATGAGGAGATTCGTGAGAACCTGAGTC-3'
Protein context (NP_001421.2, residues 119-139): MGLTQVELTG[His129Tyr]SIFDFTHPCD